The following is an entry in ClinVar:

ClinVar aggregate classification (germline): Likely pathogenic. Review status: criteria provided, multiple submitters, no conflicts (2 of 4 stars). 2 submissions from 2 submitters: Likely pathogenic (2). Last evaluated 2024-10-22.

Conditions:
Vici syndrome (VICIS). Identifiers: Orphanet 1493, MedGen C1855772, MONDO:0009452, OMIM 242840.

Submissions (2):

Labcorp Genetics (formerly Invitae), Labcorp
Classification: Likely pathogenic for Vici syndrome. Last evaluated: 2024-10-22. Review status: criteria provided, single submitter. Criteria: Invitae Variant Classification Sherloc (09022015). Collection method: clinical testing. Allele origin: germline.
Comment: This sequence change affects an acceptor splice site in intron 25 of the EPG5 gene. It is expected to disrupt RNA splicing. Variants that disrupt the donor or acceptor splice site typically lead to a loss of protein function (PMID: 16199547), and loss-of-function variants in EPG5 are known to be pathogenic (PMID: 23222957, 23674064). This variant is not present in population databases (gnomAD no frequency). This variant has not been reported in the literature in individuals affected with EPG5-related conditions. ClinVar contains an entry for this variant (Variation ID: 2014197). Algorithms developed to predict the effect of sequence changes on RNA splicing suggest that this variant may disrupt the consensus splice site. In summary, the currently available evidence indicates that the variant is pathogenic, but additional data are needed to prove that conclusively. Therefore, this variant has been classified as Likely Pathogenic.

Women's Health and Genetics/Laboratory Corporation of America, LabCorp
Classification: Likely pathogenic for Vici syndrome. Last evaluated: 2024-02-08. Review status: criteria provided, single submitter. Criteria: LabCorp Variant Classification Summary - May 2015. Collection method: clinical testing. Allele origin: germline.
Comment: Variant summary: EPG5 c.4475-1G>A is located in a canonical splice-site and is predicted to affect mRNA splicing resulting in a significantly altered protein due to either exon skipping, shortening, or inclusion of intronic material. Several computational tools predict a significant impact on normal splicing: Four predict the variant abolishes the 3' canonical acceptor site. Three predict the variant creates a 3' cryptic acceptor site. However, these predictions have yet to be confirmed by functional studies. The variant was absent in 246962 control chromosomes. To our knowledge, no occurrence of c.4475-1G>A in individuals affected with Vici Syndrome and no experimental evidence demonstrating its impact on protein function have been reported. ClinVar contains an entry for this variant (Variation ID: 2014197). Based on the evidence outlined above, the variant was classified as likely pathogenic.

Literature cited by the submitters: PubMed 16199547 (cited by Labcorp Genetics (formerly Invitae), Labcorp); PubMed 23222957 (cited by Labcorp Genetics (formerly Invitae), Labcorp); PubMed 23674064 (cited by Labcorp Genetics (formerly Invitae), Labcorp).

NM_020964.3(EPG5):c.4475-1G>A

Gene: EPG5 (ectopic P-granules 5 autophagy tethering factor; minus strand). Cytogenetic location: 18q21.1.
Variant type: single nucleotide variant.
Coding change: c.4475-1G>A on transcript NM_020964.3 (MANE Select); the canonical splice acceptor site of the intron before coding-DNA position 4475, G replaced by A.
Molecular consequence: splice acceptor variant.
Genome position (GRCh38, 1-based): chr18:45,901,168, C>T on the plus strand (G>A on the coding strand, the complement: EPG5 is on the minus strand). VCF-style: chr18-45901168-C-T. GRCh37 (hg19) VCF-style: chr18-43481133-C-T.
Other names: c.4475-1G>A (NM_001410858.1, NM_001410859.1).
Identifiers: ClinVar variation 2014197 (VCV002014197.6), dbSNP rs2511712153, ClinGen allele CA402338002.